The following is an entry in ClinVar:

NM_000091.5(COL4A3):c.3310G>C (p.Gly1104Arg)

Genes: COL4A3 (collagen type IV alpha 3 chain; plus strand), MFF-DT (MFF divergent transcript; minus strand). Cytogenetic location: 2q36.3.
Variant type: single nucleotide variant.
Coding change: c.3310G>C on transcript NM_000091.5 (MANE Select); coding-DNA position 3310, G replaced by C.
Protein change: p.Gly1104Arg; replaces glycine 1104 with arginine.
Molecular consequence: missense variant.
Genome position (GRCh38, 1-based): chr2:227,293,290, G>C. VCF-style: chr2-227293290-G-C. GRCh37 (hg19) VCF-style: chr2-228158006-G-C.
Other names: p.(Gly1104Arg); short protein forms G1104R.
Identifiers: ClinVar variation 3586101 (VCV003586101.3).

ClinVar aggregate classification (germline): Likely pathogenic. Review status: criteria provided, multiple submitters, no conflicts (2 of 4 stars). 3 submissions from 3 submitters: Likely pathogenic (3). Last evaluated 2026-03-12.

Conditions:
Autosomal dominant Alport syndrome (ATS3A). Also called: Alport syndrome dominant type; Renal failure and sensorineural hearing loss; ALPORT SYNDROME 3A, AUTOSOMAL DOMINANT. Identifiers: Orphanet 63, Orphanet 88918, MedGen C5882663, MONDO:0007086, OMIM 104200.
Hematuria, benign familial, 2 (BFH2). Identifiers: MedGen C5830421, MONDO:0958186, OMIM 620320.
Alport syndrome 3b, autosomal recessive. Identifiers: MedGen C5882699, MONDO:0957811, OMIM 620536.
Alport syndrome. Also called: Hemorrhagic familial nephritis; Hemorrhagic hereditary nephritis; Congenital hereditary hematuria. Identifiers: Orphanet 63, MedGen C1567741, MONDO:0018965.

gnomAD v4.1: 4 of 1,613,472 alleles (0.00025%); highest among the groups gnomAD compares: Non-Finnish European, 0.00034%; no homozygotes.

Submissions (3):

Centre de Génétique Humaine, Institut de Pathologie Et de Génétique
Classification: Likely pathogenic for Autosomal dominant Alport syndrome. Last evaluated: 2026-03-12. Review status: criteria provided, single submitter. Criteria: ACMG Guidelines, 2015. Collection method: clinical testing. Allele origin: germline. Inheritance: Autosomal dominant inheritance. Affected: yes. Observed: 1 variant allele, 1 heterozygote. Segregation with disease not observed.
Comment: This missense variant involves a highly conserved glycine located in a ‘Gly-X-Y’ motif in collagenous region, which is characteristic of the pathogenic variants identified in the COL4A3 gene (PM1,PP2). This variant is rare: allelic frequency of 0.00025% in gnomAD v4.1.0 database (PM2); In silico analysis supports that this missense variant has a deleterious effect. Variant adjacent to splice site (PP3).

Natera, Inc.
Classification: Likely pathogenic for Alport syndrome. Last evaluated: 2025-08-26. Review status: criteria provided, single submitter. Criteria: Natera Variant Classification Schema (03/2026). Collection method: clinical testing. Allele origin: germline.
Comment: The c.3310G>C variant in COL4A3 is a missense variant predicted to cause substitution of glycine to arginine at amino acid 1104. This variant is rare in the general population with a frequency below the threshold expected for the associated phenotype(s). This variant is located in a functionally critical region of the protein. Computational prediction algorithms indicate this variant is likely to affect gene or protein function. Given the available evidence, this variant is classified as Likely Pathogenic.

Fulgent Genetics
Classification: Likely pathogenic for Autosomal dominant Alport syndrome; Hematuria, benign familial, 2; Alport syndrome 3b, autosomal recessive. Last evaluated: 2024-05-20. Review status: criteria provided, single submitter. Criteria: ACMG Guidelines, 2015. Collection method: clinical testing. Allele origin: germline.